The following is an entry in ClinVar:

ClinVar aggregate classification (germline): Pathogenic/Likely pathogenic. Review status: criteria provided, multiple submitters, no conflicts (2 of 4 stars). 2 submissions from 2 submitters: Pathogenic (1); Likely pathogenic (1). Last evaluated 2023-02-03.

Conditions:
Fanconi anemia (FA). Also called: Fanconi's anemia. Identifiers: Orphanet 84, MedGen C0015625, MeSH D005199, MONDO:0019391.
Fanconi anemia complementation group C (FANCC). Also called: Fanconi anemia, group C; FANCONI PANCYTOPENIA, TYPE 3; FACC; FANCC-Related Fanconi Anemia. Identifiers: Orphanet 84, MedGen C3468041, MONDO:0009213, OMIM 227645.

Allele frequency attached by ClinVar (database versions not stated): gnomAD exomes below 0.00001; ExAC 0.00001.
gnomAD v4.1: 1 of 1,614,034 alleles (0.000062%); highest among the groups gnomAD compares: South Asian, 0.0011%; no homozygotes.

Submissions (2):

Labcorp Genetics (formerly Invitae), Labcorp
Classification: Pathogenic for Fanconi anemia. Last evaluated: 2023-02-03. Review status: criteria provided, single submitter. Criteria: Invitae Variant Classification Sherloc (09022015). Collection method: clinical testing. Allele origin: germline.
Comment: For these reasons, this variant has been classified as Pathogenic. This variant has not been reported in the literature in individuals affected with FANCC-related conditions. This variant is present in population databases (rs758116389, gnomAD 0.003%). This sequence change creates a premature translational stop signal (p.Gln42*) in the FANCC gene. It is expected to result in an absent or disrupted protein product. Loss-of-function variants in FANCC are known to be pathogenic (PMID: 17924555).

Revvity Omics, Revvity
Classification: Likely pathogenic for Fanconi anemia complementation group C. Last evaluated: 2022-08-22. Review status: criteria provided, single submitter. Criteria: ACMG Guidelines, 2015. Collection method: clinical testing. Allele origin: germline.

Literature cited by the submitters: PubMed 17924555 (cited by Labcorp Genetics (formerly Invitae), Labcorp).

NM_000136.3(FANCC):c.124C>T (p.Gln42Ter)

Gene: FANCC (FA complementation group C; minus strand). Cytogenetic location: 9q22.32.
Variant type: single nucleotide variant.
Coding change: c.124C>T on transcript NM_000136.3 (MANE Select); coding-DNA position 124, C replaced by T.
Protein change: p.Gln42Ter; replaces glutamine 42 with a stop codon.
Molecular consequence: nonsense.
Genome position (GRCh38, 1-based): chr9:95,249,168, G>A on the plus strand (C>T on the coding strand, the complement: FANCC is on the minus strand). VCF-style: chr9-95249168-G-A. GRCh37 (hg19) VCF-style: chr9-98011450-G-A.
Other names: c.124C>T, p.Gln42Ter (NM_001243743.2, NM_001243744.2); short protein forms Q42*.
Identifiers: ClinVar variation 2440216 (VCV002440216.6), dbSNP rs758116389, ClinGen allele CA5137832.